The following is an entry in ClinVar:

ClinVar aggregate classification (germline): Uncertain significance (1 of 4 stars; one submission).

gnomAD v4.1: 1 of 1,603,594 alleles (0.000062%); highest among the groups gnomAD compares: Admixed American, 0.0018%; no homozygotes.

Submission:

Ambry Genetics
Classification: Uncertain significance. Last evaluated: 2024-11-16. Review status: criteria provided, single submitter. Criteria: Ambry Variant Classification Scheme 2023. Collection method: clinical testing. Allele origin: germline.
Comment: The p.N1426T variant (also known as c.4277A>C), located in coding exon 16 of the POLQ gene, results from an A to C substitution at nucleotide position 4277. The asparagine at codon 1426 is replaced by threonine, an amino acid with similar properties. This amino acid position is conserved. In addition, this alteration is predicted to be tolerated by in silico analysis. Based on the available evidence, the clinical significance of this variant remains unclear.

NM_199420.4(POLQ):c.4277A>C (p.Asn1426Thr)

Gene: POLQ (DNA polymerase theta; minus strand). Cytogenetic location: 3q13.33.
Variant type: single nucleotide variant.
Coding change: c.4277A>C on transcript NM_199420.4 (MANE Select); coding-DNA position 4277, A replaced by C.
Protein change: p.Asn1426Thr; replaces asparagine 1426 with threonine.
Molecular consequence: missense variant.
Genome position (GRCh38, 1-based): chr3:121,488,654, T>G on the plus strand (A>C on the coding strand, the complement: POLQ is on the minus strand). VCF-style: chr3-121488654-T-G. GRCh37 (hg19) VCF-style: chr3-121207501-T-G.
Other names: short protein forms N1426T.
Identifiers: ClinVar variation 3422378 (VCV003422378.1).